The following is an entry in ClinVar:

NM_000543.5(SMPD1):c.656dup (p.Asp220fs)

Gene: SMPD1 (sphingomyelin phosphodiesterase 1; plus strand). Cytogenetic location: 11p15.4.
Variant type: Duplication.
Coding change: c.656dup on transcript NM_000543.5 (MANE Select); coding-DNA position 656, one base duplicated (C; older notation c.656dupC).
Protein change: p.Asp220fs; shifts the reading frame from aspartic acid 220.
Molecular consequence: frameshift variant. On other transcripts: 5 prime UTR variant (1), non-coding transcript variant (1).
Genome position (GRCh38, 1-based): chr11:6,391,721, C duplicated. VCF-style (leftmost placement, unchanged base first): chr11-6391720-A-AC. GRCh37 (hg19) VCF-style: chr11-6412950-A-AC.
Other names: c.653dup, p.Asp219fs (NM_001007593.3); c.656dup, p.Asp220fs (NM_001318087.2, NM_001365135.2); c.-306dup (NM_001318088.2); short protein forms D219fs, D220fs.
Identifiers: ClinVar variation 5011757 (VCV005011757.1).
Genomic context (GRCh38, chr11:6,391,720, plus strand): 5'-CCTGTCAGCCGCATCCTCTTCCTCACTGACCTGCACTGGGATCATGACTACCTGGAGGGC[A>AC]CGGACCCTGACTGTGCAGACCCACTGTGCTGCCGCCGGGGTTCTGGCCTGCCGCCCGCAT-3'

ClinVar aggregate classification (germline): Pathogenic (1 of 4 stars; one submission).

Conditions:
Acid sphingomyelinase deficiency. Identifiers: Orphanet 618899, MedGen C5243927, MONDO:0100464.

Submission:

Myriad Genetics, Inc.
Classification: Pathogenic for Acid sphingomyelinase deficiency. Last evaluated: 2023-09-27. Review status: criteria provided, single submitter. Criteria: Myriad Autosomal Dominant, Autosomal Recessive and X-Linked Classification Criteria (2023). Collection method: clinical testing. Allele origin: unknown.
Comment: NM_000543.4(SMPD1):c.656dupC(D220Gfs*3) is expected to be pathogenic in the context of Niemann-Pick disease, SMPD1-related. This variant is predicted to lead to an abnormal or absent protein product due to the creation of a premature termination codon in SMPD1, a gene where loss-of-function variants are known to be pathogenic. Please note: this variant was assessed in the context of healthy population screening.